The following is an entry in ClinVar:

ClinVar aggregate classification (germline): Uncertain significance (1 of 4 stars; one submission).

Allele frequency attached by ClinVar (database versions not stated): 1000 Genomes Project 30x 0.00016; 1000 Genomes Project 0.00020.

Submission:

Labcorp Genetics (formerly Invitae), Labcorp
Classification: Uncertain significance. Last evaluated: 2022-06-28. Review status: criteria provided, single submitter. Criteria: Invitae Variant Classification Sherloc (09022015). Collection method: clinical testing. Allele origin: germline.
Comment: This sequence change replaces glutamine, which is neutral and polar, with leucine, which is neutral and non-polar, at codon 128 of the CETP protein (p.Gln128Leu). This variant is present in population databases (rs140518082, gnomAD 0.007%). This variant has not been reported in the literature in individuals affected with CETP-related conditions. Algorithms developed to predict the effect of missense changes on protein structure and function (SIFT, PolyPhen-2, Align-GVGD) all suggest that this variant is likely to be tolerated. In summary, the available evidence is currently insufficient to determine the role of this variant in disease. Therefore, it has been classified as a Variant of Uncertain Significance.

NM_000078.3(CETP):c.383A>T (p.Gln128Leu)

Gene: CETP (cholesteryl ester transfer protein; plus strand). Cytogenetic location: 16q13.
Variant type: single nucleotide variant.
Coding change: c.383A>T on transcript NM_000078.3 (MANE Select); coding-DNA position 383, A replaced by T.
Protein change: p.Gln128Leu; replaces glutamine 128 with leucine.
Molecular consequence: missense variant.
Genome position (GRCh38, 1-based): chr16:56,969,625, A>T. VCF-style: chr16-56969625-A-T. GRCh37 (hg19) VCF-style: chr16-57003537-A-T.
Other names: c.383A>T, p.Gln128Leu (NM_001286085.2); short protein forms Q128L.
Identifiers: ClinVar variation 1926658 (VCV001926658.5), dbSNP rs140518082, ClinGen allele CA8070898.